The following is an entry in ClinVar:

ClinVar aggregate classification (germline): Uncertain significance (1 of 4 stars; one submission).

Submission:

GeneDx
Classification: Uncertain significance. Last evaluated: 2024-05-08. Review status: criteria provided, single submitter. Criteria: GeneDx Variant Classification Process June 2021. Collection method: clinical testing. Allele origin: germline. Affected: yes.
Comment: Not observed at significant frequency in large population cohorts (gnomAD); Frameshift variant predicted to result in protein truncation or nonsense mediated decay in a gene or region of a gene for which loss of function is not a well-established mechanism of disease; Has not been previously published as pathogenic or benign to our knowledge

NM_003718.5(CDK13):c.537del (p.Ser180fs)

Gene: CDK13 (cyclin dependent kinase 13; plus strand). Cytogenetic location: 7p14.1.
Variant type: Deletion.
Coding change: c.537del on transcript NM_003718.5 (MANE Select); coding-DNA position 537, one base deleted (G; older notation c.537delG).
Protein change: p.Ser180fs; shifts the reading frame from serine 180.
Molecular consequence: frameshift variant.
Genome position (GRCh38, 1-based): chr7:39,951,178, G deleted; the last of 3 consecutive G bases (chr7:39,951,176-39,951,178); deleting any one gives the same sequence. VCF-style (leftmost placement, unchanged base first): chr7-39951175-CG-C. GRCh37 (hg19) VCF-style: chr7-39990774-CG-C.
Other names: c.537delG, p.Ser180Valfs (NM_031267.4); short protein forms S180fs.
Identifiers: ClinVar variation 3375501 (VCV003375501.1).